The following is an entry in ClinVar:

NM_000071.3(CBS):c.1341del (p.Val448fs)

Gene: CBS (cystathionine beta-synthase; minus strand). Cytogenetic location: 21q22.3.
Variant type: Deletion.
Coding change: c.1341del on transcript NM_000071.3 (MANE Select); coding-DNA position 1341, one base deleted (C; older notation c.1341delC).
Protein change: p.Val448fs; shifts the reading frame from valine 448.
Molecular consequence: frameshift variant.
Genome position (GRCh38, 1-based): chr21:43,058,851, G deleted on the plus strand (C on the coding strand, the reverse complement: CBS is on the minus strand); the first of 3 consecutive G bases (chr21:43,058,851-43,058,853); deleting any one gives the same sequence. VCF-style (leftmost placement, unchanged base first): chr21-43058850-CG-C. GRCh37 (hg19) VCF-style: chr21-44478960-CG-C.
Other names: c.1341del, p.Val448fs (NM_001178008.3, NM_001178009.3, NM_001320298.2); c.1026del, p.Val343fs (NM_001321072.1); short protein forms V343fs, V448fs.
Identifiers: ClinVar variation 1162233 (VCV001162233.1), dbSNP rs2146340713, ClinGen allele CA2499225909.

ClinVar aggregate classification (germline): Likely pathogenic (1 of 4 stars; one submission).

Conditions:
Classic homocystinuria. Also called: Homocystinuria due to Cystathionine Beta-Synthase Deficiency; HOMOCYSTINURIA WITH OR WITHOUT RESPONSE TO PYRIDOXINE; Homocystinuria due to CBS deficiency; Cystathionine beta-synthase deficiency; CBS deficiency. Identifiers: Orphanet 394, MedGen C0751202, MONDO:0009352, OMIM 236200.

Submission:

NxGen MDx
Classification: Likely pathogenic for Classic homocystinuria. Last evaluated: 2019-12-04. Review status: criteria provided, single submitter. Criteria: ACMG Guidelines, 2015. Collection method: clinical testing. Allele origin: unknown.
Comment: This is a predicted null variant (c.1341del) affecting exon 14 of 17 in CBS (PVS1). It is not found in gnomAD databases (PM2). Other null variants downstream of this sequence change have been classified as pathogenic, e.g. NM_001178008.2:c.1358+1G>A, rs786204679 by Karaca et al. PMID 24211323, and Tsai et al. PMID 9232191. We interpret c.1341del to be likely pathogenic.

Literature cited by the submitters: PubMed 24211323; PubMed 9232191.